The following is an entry in ClinVar:

NM_173076.3(ABCA12):c.6162G>A (p.Ala2054=)

Genes: ABCA12 (ATP binding cassette subfamily A member 12; minus strand), SNHG31 (small nucleolar RNA host gene 31; plus strand). Cytogenetic location: 2q35.
Variant type: single nucleotide variant.
Coding change: c.6162G>A on transcript NM_173076.3 (MANE Select); coding-DNA position 6162, G replaced by A.
Protein change: p.Ala2054=; no amino-acid change (alanine 2054 retained).
Molecular consequence: synonymous variant. On other transcripts: non-coding transcript variant (1).
Genome position (GRCh38, 1-based): chr2:214,956,734, C>T on the plus strand (G>A on the coding strand, the complement: ABCA12 is on the minus strand). VCF-style: chr2-214956734-C-T. GRCh37 (hg19) VCF-style: chr2-215821458-C-T.
Other names: c.5208G>A, p.Ala1736= (NM_015657.4).
Identifiers: ClinVar variation 732177 (VCV000732177.31), dbSNP rs143237945, ClinGen allele CA2090978.

ClinVar aggregate classification (germline): Likely benign. Review status: criteria provided, multiple submitters, no conflicts (2 of 4 stars). 2 submissions from 2 submitters: Likely benign (2). Last evaluated 2026-09-01.

Allele frequency attached by ClinVar (database versions not stated): ESP Exome Variant Server 0.00023; TOPMed 0.00028; ExAC 0.00031; gnomAD 0.00031; gnomAD exomes 0.00035 and 0.00036.
gnomAD v4.1: 579 of 1,613,086 alleles (0.036%); highest among the groups gnomAD compares: Non-Finnish European, 0.036%; no homozygotes.

Submissions (2):

CeGaT Center for Human Genetics Tuebingen
Classification: Likely benign. Last evaluated: 2026-09-01. Review status: criteria provided, single submitter. Criteria: CeGaT Center For Human Genetics Tuebingen Variant Classification Criteria Version 2. Collection method: clinical testing. Allele origin: germline. Affected: yes. Observed: 2 variant alleles.
Comment: ABCA12: BP4, BP7

Labcorp Genetics (formerly Invitae), Labcorp
Classification: Likely benign. Last evaluated: 2026-01-28. Review status: criteria provided, single submitter. Criteria: Invitae Variant Classification Sherloc (09022015). Collection method: clinical testing. Allele origin: germline.